The following is an entry in ClinVar:

NM_145200.5(CABP4):c.626G>T (p.Arg209Leu)

Gene: CABP4 (calcium binding protein 4; plus strand). Cytogenetic location: 11q13.2.
Variant type: single nucleotide variant.
Coding change: c.626G>T on transcript NM_145200.5 (MANE Select); coding-DNA position 626, G replaced by T.
Protein change: p.Arg209Leu; replaces arginine 209 with leucine.
Molecular consequence: missense variant. On other transcripts: non-coding transcript variant (1).
Genome position (GRCh38, 1-based): chr11:67,457,657, G>T. VCF-style: chr11-67457657-G-T. GRCh37 (hg19) VCF-style: chr11-67225128-G-T.
Other names: c.311G>T, p.Arg104Leu (NM_001300895.3, NM_001300896.3, NM_001379183.1); short protein forms R104L, R209L.
Identifiers: ClinVar variation 972209 (VCV000972209.33), dbSNP rs552701854, ClinGen allele CA6140294.
Genomic context (GRCh38, chr11:67,457,657, plus strand): 5'-AGTTTGTAGAACTGATAGGCCCAAAGCTGAGGGAGGAGACGGCGCACATGCTGGGGGTGC[G>T]AGAGCTGCGCATCGCCTTCCGAGAGGTGCGGAGTGTGGTGAGGTGGGCAGAGGGGGGCAG-3'
Protein context (NP_660201.1, residues 199-219): REETAHMLGV[Arg209Leu]ELRIAFREFD

ClinVar aggregate classification (germline): Conflicting classifications of pathogenicity. Review status: criteria provided, conflicting classifications (1 of 4 stars). 4 submissions from 4 submitters: Pathogenic (1); Likely pathogenic (1); Uncertain significance (1); Likely benign (1). Last evaluated 2025-01-13.

Conditions:
Cone-rod synaptic disorder, congenital nonprogressive. Also called: NIGHT BLINDNESS, CONGENITAL STATIONARY, INCOMPLETE, AUTOSOMAL RECESSIVE. Identifiers: Orphanet 215, MedGen C4041558, MONDO:0012490, OMIM 610427.
Usher syndrome. Also called: Usher Syndromes; Usher's syndrome. Identifiers: Orphanet 886, MedGen CN469326, MeSH D052245, MONDO:0019501. Disease mechanism: loss of function.

gnomAD v4.1: 129 of 1,599,378 alleles (0.0081%); highest among the groups gnomAD compares: South Asian, 0.14%; 1 homozygote.

Submissions (4):

First Genomix Gene Laboratory, Genetic Diagnostics Department
Classification: Pathogenic for Cone-rod synaptic disorder, congenital nonprogressive. Last evaluated: 2025-01-13. Review status: criteria provided, single submitter. Criteria: ACMG Guidelines, 2015. Collection method: clinical testing. Allele origin: germline. Inheritance: Autosomal recessive inheritance. Affected: no. Observed: 1 variant allele.

Labcorp Genetics (formerly Invitae), Labcorp
Classification: Uncertain significance. Last evaluated: 2024-11-19. Review status: criteria provided, single submitter. Criteria: Invitae Variant Classification Sherloc (09022015). Collection method: clinical testing. Allele origin: germline.
Comment: This sequence change replaces arginine, which is basic and polar, with leucine, which is neutral and non-polar, at codon 209 of the CABP4 protein (p.Arg209Leu). This variant is present in population databases (rs552701854, gnomAD 0.1%), including at least one homozygous and/or hemizygous individual. This variant has not been reported in the literature in individuals affected with CABP4-related conditions. ClinVar contains an entry for this variant (Variation ID: 972209). Invitae Evidence Modeling of protein sequence and biophysical properties (such as structural, functional, and spatial information, amino acid conservation, physicochemical variation, residue mobility, and thermodynamic stability) indicates that this missense variant is expected to disrupt CABP4 protein function with a positive predictive value of 80%. In summary, the available evidence is currently insufficient to determine the role of this variant in disease. Therefore, it has been classified as a Variant of Uncertain Significance.

SN ONGC Dept of Genetics and Molecular biology Vision Research Foundation
Classification: Likely pathogenic for Usher syndrome. Last evaluated: 2022-12-31. Review status: criteria provided, single submitter. Criteria: ACMG Guidelines, 2015. Collection method: research. Allele origin: biparental. Affected: yes. Observed: 1 variant allele, 1 homozygote.

Blueprint Genetics
Classification: Likely benign. Last evaluated: 2020-11-24. Review status: criteria provided, single submitter. Criteria: ACMG Guidelines, 2015. Collection method: clinical testing. Allele origin: germline.